The following is an entry in ClinVar:

ClinVar aggregate classification (germline): Conflicting classifications of pathogenicity. Review status: criteria provided, conflicting classifications (1 of 4 stars). 2 submissions from 2 submitters: Uncertain significance (1); Likely benign (1). Last evaluated 2025-07-29.

Conditions:
Tumor predisposition syndrome 3 (TPDS3). Also called: Melanoma, cutaneous malignant, susceptibility to, 10; Glioma susceptibility 9; LONG TELOMERE SYNDROME, POT1-RELATED; POT1 Tumor Predisposition. Identifiers: Orphanet 618, MedGen C4014476, MONDO:0014368, OMIM 615848.
Hereditary cancer-predisposing syndrome. Also called: Neoplastic Syndromes, Hereditary; Hereditary Cancer Syndrome; Tumor predisposition; Hereditary neoplastic syndrome. Identifiers: Orphanet 140162, MedGen C0027672, MeSH D009386, MONDO:0015356.

Submissions (2):

Ambry Genetics
Classification: Likely benign for Hereditary cancer-predisposing syndrome. Last evaluated: 2025-07-29. Review status: criteria provided, single submitter. Criteria: Ambry Variant Classification Scheme 2023. Collection method: clinical testing. Allele origin: germline.

Labcorp Genetics (formerly Invitae), Labcorp
Classification: Uncertain significance for Tumor predisposition syndrome 3. Last evaluated: 2018-12-12. Review status: criteria provided, single submitter. Criteria: Invitae Variant Classification Sherloc (09022015). Collection method: clinical testing. Allele origin: germline.
Comment: In summary, the available evidence is currently insufficient to determine the role of this variant in disease. Therefore, it has been classified as a Variant of Uncertain Significance. Algorithms developed to predict the effect of missense changes on protein structure and function (SIFT, PolyPhen-2, Align-GVGD) all suggest that this variant is likely to be tolerated, but these predictions have not been confirmed by published functional studies and their clinical significance is uncertain. This variant has not been reported in the literature in individuals with POT1-related conditions. This variant is not present in population databases (ExAC no frequency). This sequence change replaces serine with isoleucine at codon 508 of the POT1 protein (p.Ser508Ile). The serine residue is weakly conserved and there is a large physicochemical difference between serine and isoleucine.

NM_015450.3(POT1):c.1523G>T (p.Ser508Ile)

Gene: POT1 (protection of telomeres 1; minus strand). Cytogenetic location: 7q31.33.
Variant type: single nucleotide variant.
Coding change: c.1523G>T on transcript NM_015450.3 (MANE Select); coding-DNA position 1523, G replaced by T.
Protein change: p.Ser508Ile; replaces serine 508 with isoleucine.
Molecular consequence: missense variant. On other transcripts: non-coding transcript variant (2).
Genome position (GRCh38, 1-based): chr7:124,829,325, C>A on the plus strand (G>T on the coding strand, the complement: POT1 is on the minus strand). VCF-style: chr7-124829325-C-A. GRCh37 (hg19) VCF-style: chr7-124469379-C-A.
Other names: c.1130G>T, p.Ser377Ile (NM_001042594.2); short protein forms S377I, S508I.
Identifiers: ClinVar variation 644008 (VCV000644008.11), dbSNP rs144522387, ClinGen allele CA369064629.